The following is an entry in ClinVar:

NM_172107.4(KCNQ2):c.2419A>C (p.Ile807Leu)

Gene: KCNQ2 (potassium voltage-gated channel subfamily Q member 2; minus strand). Cytogenetic location: 20q13.33.
Variant type: single nucleotide variant.
Coding change: c.2419A>C on transcript NM_172107.4 (MANE Select); coding-DNA position 2419, A replaced by C.
Protein change: p.Ile807Leu; replaces isoleucine 807 with leucine.
Molecular consequence: missense variant.
Genome position (GRCh38, 1-based): chr20:63,406,844, T>G on the plus strand (A>C on the coding strand, the complement: KCNQ2 is on the minus strand). VCF-style: chr20-63406844-T-G. GRCh37 (hg19) VCF-style: chr20-62038197-T-G.
Other names: c.2473A>C, p.Ile825Leu (NM_001382235.1); c.2335A>C, p.Ile779Leu (NM_004518.6); c.2365A>C, p.Ile789Leu (NM_172106.3); c.2326A>C, p.Ile776Leu (NM_172108.5); short protein forms I776L, I779L, I789L, I807L, I825L.
Identifiers: ClinVar variation 1701425 (VCV001701425.31), dbSNP rs1202025157, ClinGen allele CA409637169.

ClinVar aggregate classification (germline): Uncertain significance (1 of 4 stars; one submission).

Submission:

CeGaT Center for Human Genetics Tuebingen
Classification: Uncertain significance. Last evaluated: 2022-07-01. Review status: criteria provided, single submitter. Criteria: CeGaT Center For Human Genetics Tuebingen Variant Classification Criteria Version 2. Collection method: clinical testing. Allele origin: germline. Affected: yes. Observed: 1 variant allele.
Comment: KCNQ2: PM2, PP2